The following is an entry in ClinVar:

ClinVar aggregate classification (germline): Uncertain significance. Review status: criteria provided, multiple submitters, no conflicts (2 of 4 stars). 3 submissions from 3 submitters: Uncertain significance (2). 1 of the submissions does not count toward it. Last evaluated 2021-12-23.

Conditions:
Hereditary hemochromatosis (HFE). Identifiers: MedGen C0392514, MONDO:0006507. Disease mechanism: loss of function.
Hemochromatosis type 3 (HFE3). Also called: HEMOCHROMATOSIS DUE TO DEFECT IN TRANSFERRIN RECEPTOR 2; TFR2-Related Hemochromatosis; Hereditary hemochromatosis type 3. Identifiers: Orphanet 225123, MedGen C1858664, MONDO:0011417, OMIM 604250.

Allele frequency attached by ClinVar (database versions not stated): TOPMed 0.00002; gnomAD 0.00003 and 0.00004; gnomAD exomes 0.00004; ExAC 0.00007.
gnomAD v4.1: 68 of 1,613,684 alleles (0.0042%); highest among the groups gnomAD compares: Admixed American, 0.0067%; no homozygotes.

Submissions (3):

Department of Pathology and Laboratory Medicine, Sinai Health System
Classification: Uncertain significance for Hemochromatosis type 3. Last evaluated: 2021-12-23. Review status: criteria provided, single submitter. Criteria: ACMG Guidelines, 2015. Collection method: research. Allele origin: germline.

Labcorp Genetics (formerly Invitae), Labcorp
Classification: Uncertain significance for Hereditary hemochromatosis. Last evaluated: 2021-09-08. Review status: criteria provided, single submitter. Criteria: Invitae Variant Classification Sherloc (09022015). Collection method: clinical testing. Allele origin: germline.
Comment: This sequence change replaces valine with leucine at codon 277 of the TFR2 protein (p.Val277Leu). The valine residue is weakly conserved and there is a small physicochemical difference between valine and leucine. This variant has not been reported in the literature in individuals affected with TFR2-related conditions. Algorithms developed to predict the effect of missense changes on protein structure and function output the following: SIFT: "Tolerated"; PolyPhen-2: "Benign"; Align-GVGD: "Class C0". The leucine amino acid residue is found in multiple mammalian species, which suggests that this missense change does not adversely affect protein function. In summary, the available evidence is currently insufficient to determine the role of this variant in disease. Therefore, it has been classified as a Variant of Uncertain Significance.

Natera, Inc.
Classification: Uncertain significance for Hereditary hemochromatosis type 3. Last evaluated: 2020-09-16. Review status: no assertion criteria provided. Collection method: clinical testing. Allele origin: germline. Not counted in ClinVar's aggregate classification.

NM_003227.4(TFR2):c.829G>T (p.Val277Leu)

Gene: TFR2 (transferrin receptor 2; minus strand). Cytogenetic location: 7q22.1.
Variant type: single nucleotide variant.
Coding change: c.829G>T on transcript NM_003227.4 (MANE Select); coding-DNA position 829, G replaced by T.
Protein change: p.Val277Leu; replaces valine 277 with leucine.
Molecular consequence: missense variant.
Genome position (GRCh38, 1-based): chr7:100,633,021, C>A on the plus strand (G>T on the coding strand, the complement: TFR2 is on the minus strand). VCF-style: chr7-100633021-C-A. GRCh37 (hg19) VCF-style: chr7-100230644-C-A.
Other names: c.316G>T, p.Val106Leu (NM_001206855.3); short protein forms V277L, V106L.
Identifiers: ClinVar variation 188294 (VCV000188294.6), dbSNP rs754813237, ClinGen allele CA334551.